The following is an entry in ClinVar:

ClinVar aggregate classification (germline): Benign. Review status: criteria provided, multiple submitters, no conflicts (2 of 4 stars). 3 submissions from 3 submitters: Benign (3). Last evaluated 2018-06-14.

Allele frequency attached by ClinVar (database versions not stated): gnomAD exomes 0.63356 and 0.66217; gnomAD 0.63869 and 0.64080; TOPMed 0.65423; ExAC 0.68198; 1000 Genomes Project 0.68490; 1000 Genomes Project 30x 0.68504.

Submissions (3):

GeneDx
Classification: Benign. Last evaluated: 2018-06-14. Review status: criteria provided, single submitter. Criteria: GeneDx Variant Classification (06012015). Collection method: clinical testing. Allele origin: germline. Affected: yes.
Comment: This variant is considered likely benign or benign based on one or more of the following criteria: it is a conservative change, it occurs at a poorly conserved position in the protein, it is predicted to be benign by multiple in silico algorithms, and/or has population frequency not consistent with disease.

Laboratory for Molecular Medicine, Mass General Brigham Personalized Medicine
Classification: Benign. Last evaluated: 2016-04-25. Review status: criteria provided, single submitter. Criteria: LMM Criteria. Collection method: clinical testing. Allele origin: germline.
Comment: Variant identified in a genome or exome case(s) and assessed due to predicted null impact of the variant or pathogenic assertions in the literature or databases. Disclaimer: This variant has not undergone full assessment. The following are preliminary notes: Frequency in1000Genomes: 1490/2178= 68.4%

Breakthrough Genomics
Classification: Benign. Review status: criteria provided, single submitter. Criteria: ACMG Guidelines, 2015. Collection method: not provided. Allele origin: germline. Inheritance: Autosomal dominant inheritance. Affected: yes.

NM_174934.4(SCN4B):c.62-124G>A

Genes: SCN4B (sodium voltage-gated channel beta subunit 4; minus strand), LOC130006838 (ATAC-STARR-seq lymphoblastoid active region 5583; plus strand). Cytogenetic location: 11q23.3.
Variant type: single nucleotide variant.
Coding change: c.62-124G>A on transcript NM_174934.4 (MANE Select); 124 bases into the intron before coding-DNA position 62, G replaced by A.
Molecular consequence: intron variant. On other transcripts: 5 prime UTR variant (1), non-coding transcript variant (1).
Genome position (GRCh38, 1-based): chr11:118,145,353, C>T on the plus strand (G>A on the coding strand, the complement: SCN4B is on the minus strand). VCF-style: chr11-118145353-C-T. GRCh37 (hg19) VCF-style: chr11-118016068-C-T.
Other names: c.-393G>A (NM_001142349.2); c.62-4017G>A (NM_001142348.2).
Identifiers: ClinVar variation 403419 (VCV000403419.6), dbSNP rs1793137, ClinGen allele CA6300318.